The following is an entry in ClinVar:

NM_201384.3(PLEC):c.4819C>T (p.Arg1607Trp)

Gene: PLEC (plectin; minus strand). Cytogenetic location: 8q24.3.
Variant type: single nucleotide variant.
Coding change: c.4819C>T on transcript NM_201384.3 (MANE Select); coding-DNA position 4819, C replaced by T.
Protein change: p.Arg1607Trp; replaces arginine 1607 with tryptophan.
Molecular consequence: missense variant.
Genome position (GRCh38, 1-based): chr8:143,925,110, G>A on the plus strand (C>T on the coding strand, the complement: PLEC is on the minus strand). VCF-style: chr8-143925110-G-A. GRCh37 (hg19) VCF-style: chr8-144999278-G-A.
Other names: c.4900C>T, p.Arg1634Trp (NM_000445.5); c.4777C>T, p.Arg1593Trp (NM_201378.4); c.4753C>T, p.Arg1585Trp (NM_201379.3); c.5230C>T, p.Arg1744Trp (NM_201380.4); c.4723C>T, p.Arg1575Trp (NM_201381.3); c.4819C>T, p.Arg1607Trp (NM_201382.4); c.4831C>T, p.Arg1611Trp (NM_201383.3); c.4900C>T (NM_000445.3); short protein forms R1585W, R1607W, R1634W, R1575W, R1593W, R1744W, R1611W.
Identifiers: ClinVar variation 566146 (VCV000566146.13), dbSNP rs781818101, ClinGen allele CA4926532.

ClinVar aggregate classification (germline): Uncertain significance. Review status: criteria provided, multiple submitters, no conflicts (2 of 4 stars). 2 submissions from 2 submitters: Uncertain significance (2). Last evaluated 2025-07-16.

Conditions:
Epidermolysis bullosa simplex, Ogna type (EBS5A). Also called: Pidermolysis bullosa simplex 5A, Ogna type; EPIDERMOLYSIS BULLOSA SIMPLEX 5A, OGNA TYPE. Identifiers: Orphanet 79401, MedGen C0432317, MONDO:0007555, OMIM 131950.
Autosomal recessive limb-girdle muscular dystrophy type 2Q (LGMDR17). Also called: MUSCULAR DYSTROPHY, LIMB-GIRDLE, AUTOSOMAL RECESSIVE 17. Identifiers: Orphanet 254361, MedGen C3150989, MONDO:0013390, OMIM 613723.
Epidermolysis bullosa simplex 5C, with pyloric atresia (EBS5C). Also called: PLEC-Related Epidermolysis Bullosa with Pyloric Atresia; Epidermolysis bullosa simplex with pyloric atresia; PLEC1-Related Epidermolysis Bullosa with Pyloric Atresia. Identifiers: Orphanet 158684, MedGen C2677349, MONDO:0012807, OMIM 612138.
Epidermolysis bullosa simplex 5B, with muscular dystrophy (EBS5B). Also called: EPIDERMOLYSIS BULLOSA SIMPLEX AND LIMB-GIRDLE MUSCULAR DYSTROPHY; Epidermolysis bullosa simplex with muscular dystrophy. Identifiers: Orphanet 257, MedGen C2931072, MONDO:0009181, OMIM 226670.
Epidermolysis bullosa simplex with nail dystrophy (EBS5D). Identifiers: MedGen C4225309, MONDO:0014661, OMIM 616487.

Allele frequency attached by ClinVar (database versions not stated): gnomAD 0.00002 and 0.00003; TOPMed 0.00002; gnomAD exomes 0.00003; ExAC 0.00017.
gnomAD v4.1: 25 of 1,554,256 alleles (0.0016%); highest among the groups gnomAD compares: Admixed American, 0.0093%; no homozygotes.

Submissions (2):

Labcorp Genetics (formerly Invitae), Labcorp
Classification: Uncertain significance for Autosomal recessive limb-girdle muscular dystrophy type 2Q; Epidermolysis bullosa simplex, Ogna type; Epidermolysis bullosa simplex with nail dystrophy; Epidermolysis bullosa simplex 5C, with pyloric atresia; Epidermolysis bullosa simplex 5B, with muscular dystrophy. Last evaluated: 2025-07-16. Review status: criteria provided, single submitter. Criteria: Invitae Variant Classification Sherloc (09022015). Collection method: clinical testing. Allele origin: germline.
Comment: This sequence change replaces arginine, which is basic and polar, with tryptophan, which is neutral and slightly polar, at codon 1634 of the PLEC protein (p.Arg1634Trp). The frequency data for this variant in the population databases is considered unreliable, as metrics indicate poor data quality at this position in the gnomAD database. This variant has not been reported in the literature in individuals affected with PLEC-related conditions. ClinVar contains an entry for this variant (Variation ID: 566146). Experimental studies and prediction algorithms are not available or were not evaluated, and the functional significance of this variant is currently unknown. In summary, the available evidence is currently insufficient to determine the role of this variant in disease. Therefore, it has been classified as a Variant of Uncertain Significance.

Revvity Omics, Revvity
Classification: Uncertain significance. Last evaluated: 2021-01-21. Review status: criteria provided, single submitter. Criteria: ACMG Guidelines, 2015. Collection method: clinical testing. Allele origin: germline.